The following is an entry in ClinVar:

NM_201599.3(ZMYM3):c.3807G>A (p.Thr1269=)

Gene: ZMYM3 (zinc finger MYM-type containing 3; minus strand). Cytogenetic location: Xq13.1.
Variant type: single nucleotide variant.
Coding change: c.3807G>A on transcript NM_201599.3 (MANE Select); coding-DNA position 3807, G replaced by A.
Protein change: p.Thr1269=; no amino-acid change (threonine 1269 retained).
Molecular consequence: synonymous variant.
Genome position (GRCh38, 1-based): chrX:71,241,340, C>T on the plus strand (G>A on the coding strand, the complement: ZMYM3 is on the minus strand). VCF-style: chrX-71241340-C-T. GRCh37 (hg19) VCF-style: chrX-70461190-C-T.
Other names: c.3771G>A, p.Thr1257= (NM_001171162.1); c.3807G>A, p.Thr1269= (NM_005096.3).
Identifiers: ClinVar variation 3772336 (VCV003772336.13).

ClinVar aggregate classification (germline): Likely benign (1 of 4 stars; one submission).

gnomAD v4.1: 20 of 1,189,057 alleles (0.0017%); highest among the groups gnomAD compares: East Asian, 0.036%; no homozygotes.

Submission:

CeGaT Center for Human Genetics Tuebingen
Classification: Likely benign. Last evaluated: 2025-01-01. Review status: criteria provided, single submitter. Criteria: CeGaT Center For Human Genetics Tuebingen Variant Classification Criteria Version 2. Collection method: clinical testing. Allele origin: germline. Affected: yes. Observed: 1 variant allele.
Comment: ZMYM3: BP4, BP7